The following is an entry in ClinVar:

NM_006231.4(POLE):c.5203G>T (p.Ala1735Ser)

Gene: POLE (DNA polymerase epsilon, catalytic subunit; minus strand). Cytogenetic location: 12q24.33.
Variant type: single nucleotide variant.
Coding change: c.5203G>T on transcript NM_006231.4 (MANE Select); coding-DNA position 5203, G replaced by T.
Protein change: p.Ala1735Ser; replaces alanine 1735 with serine.
Molecular consequence: missense variant.
Genome position (GRCh38, 1-based): chr12:132,641,822, C>A on the plus strand (G>T on the coding strand, the complement: POLE is on the minus strand). VCF-style: chr12-132641822-C-A. GRCh37 (hg19) VCF-style: chr12-133218408-C-A.
Other names: short protein forms A1735S.
Identifiers: ClinVar variation 967147 (VCV000967147.9), dbSNP rs2042150896, ClinGen allele CA387376441.
Genomic context (GRCh38, chr12:132,641,822, plus strand): 5'-CCATGCTGTCGGCCCCCTCCATGTCGTTGACATGGTGAGACTGGAGAATGGTGTTGACGG[C>A]CAGGTTCTGAAGGTCCAGCTCCACACACACTGCACAGGAAGACGCCATGCTCAGCCAGCA-3'
Protein context (NP_006222.2, residues 1725-1745): VCVELDLQNL[Ala1735Ser]VNTILQSHHV

ClinVar aggregate classification (germline): Uncertain significance (1 of 4 stars; one submission).

Submission:

Labcorp Genetics (formerly Invitae), Labcorp
Classification: Uncertain significance. Last evaluated: 2020-09-17. Review status: criteria provided, single submitter. Criteria: Invitae Variant Classification Sherloc (09022015). Collection method: clinical testing. Allele origin: germline.
Comment: In summary, the available evidence is currently insufficient to determine the role of this variant in disease. Therefore, it has been classified as a Variant of Uncertain Significance. Algorithms developed to predict the effect of missense changes on protein structure and function are either unavailable or do not agree on the potential impact of this missense change (SIFT: "Tolerated"; PolyPhen-2: "Probably Damaging"; Align-GVGD: "Class C0"). This variant has not been reported in the literature in individuals with POLE-related conditions. This variant is not present in population databases (ExAC no frequency). This sequence change replaces alanine with serine at codon 1735 of the POLE protein (p.Ala1735Ser). The alanine residue is highly conserved and there is a moderate physicochemical difference between alanine and serine.